The following is an entry in ClinVar:

NM_001165963.4(SCN1A):c.1377+92T>G

Gene: SCN1A (sodium voltage-gated channel alpha subunit 1; minus strand). Cytogenetic location: 2q24.3.
Variant type: single nucleotide variant.
Coding change: c.1377+92T>G on transcript NM_001165963.4 (MANE Select); 92 bases into the intron after coding-DNA position 1377, T replaced by G.
Molecular consequence: intron variant.
Genome position (GRCh38, 1-based): chr2:166,046,678, A>C on the plus strand (T>G on the coding strand, the complement: SCN1A is on the minus strand). VCF-style: chr2-166046678-A-C. GRCh37 (hg19) VCF-style: chr2-166903188-A-C.
Other names: c.1377+92T>G (NM_001353949.2, NM_001353958.2, NM_001353950.2 and 10 more transcripts); c.-1049+92T>G (NM_001353961.2).
Identifiers: ClinVar variation 1290971 (VCV001290971.5), dbSNP rs538921, ClinGen allele CA11305141.

ClinVar aggregate classification (germline): Benign. Review status: criteria provided, multiple submitters, no conflicts (2 of 4 stars). 3 submissions from 3 submitters: Benign (3). Last evaluated 2024-07-15.

Allele frequency attached by ClinVar (database versions not stated): 1000 Genomes Project 30x 0.94488; 1000 Genomes Project 0.94629; TOPMed 0.95197; gnomAD exomes 0.96079.
gnomAD v4.1: 1,156,621 of 1,205,826 alleles (96%); highest among the groups gnomAD compares: East Asian, 98%; 555,107 homozygotes.

Submissions (3):

Unidad de Genómica Garrahan, Hospital de Pediatría Garrahan
Classification: Benign. Last evaluated: 2024-07-15. Review status: criteria provided, single submitter. Criteria: ACMG Guidelines, 2015. Collection method: clinical testing. Allele origin: germline. Affected: no. Observed: 64 variant alleles.
Comment: This variant is classified as Benign based on local population frequency. This variant was detected in 69% of patients studied in a panel designed for Epileptic and Developmental Encephalopathy and Progressive Myoclonus Epilepsy. Number of patients: 64. Only high quality variants are reported.

GeneDx
Classification: Benign. Last evaluated: 2018-06-25. Review status: criteria provided, single submitter. Criteria: GeneDx Variant Classification Process June 2021. Collection method: clinical testing. Allele origin: germline. Affected: yes.

Breakthrough Genomics
Classification: Benign. Review status: criteria provided, single submitter. Criteria: ACMG Guidelines, 2015. Collection method: not provided. Allele origin: germline. Inheritance: Autosomal dominant inheritance. Affected: yes.